The following is an entry in ClinVar:

ClinVar aggregate classification (germline): Likely benign. Review status: criteria provided, single submitter (1 of 4 stars). 2 submissions from 2 submitters: Likely benign (1). 1 of the submissions does not count toward it. Last evaluated 2023-01-20.

Conditions:
HSPG2-related disorder. Also called: HSPG2-related condition; HSPG2-related disorders.

Allele frequency attached by ClinVar (database versions not stated): gnomAD exomes 0.00001; gnomAD 0.00002; TOPMed 0.00006; ESP Exome Variant Server 0.00008.
gnomAD v4.1: 21 of 1,614,066 alleles (0.0013%); highest among the groups gnomAD compares: African/African-American, 0.0027%; no homozygotes.

Submissions (2):

Labcorp Genetics (formerly Invitae), Labcorp
Classification: Likely benign. Last evaluated: 2023-01-20. Review status: criteria provided, single submitter. Criteria: Invitae Variant Classification Sherloc (09022015). Collection method: clinical testing. Allele origin: germline.

PreventionGenetics, part of Exact Sciences
Classification: Likely benign for HSPG2-related condition. Last evaluated: 2019-07-01. Review status: no assertion criteria provided. Collection method: clinical testing. Allele origin: germline. Not counted in ClinVar's aggregate classification.
Comment: This variant is classified as likely benign based on ACMG/AMP sequence variant interpretation guidelines (Richards et al. 2015 PMID: 25741868, with internal and published modifications).

NM_005529.7(HSPG2):c.10872C>T (p.Asn3624=)

Gene: HSPG2 (heparan sulfate proteoglycan 2; minus strand). Cytogenetic location: 1p36.12.
Variant type: single nucleotide variant.
Coding change: c.10872C>T on transcript NM_005529.7 (MANE Select); coding-DNA position 10872, C replaced by T.
Protein change: p.Asn3624=; no amino-acid change (asparagine 3624 retained).
Molecular consequence: synonymous variant.
Genome position (GRCh38, 1-based): chr1:21,833,573, G>A on the plus strand (C>T on the coding strand, the complement: HSPG2 is on the minus strand). VCF-style: chr1-21833573-G-A. GRCh37 (hg19) VCF-style: chr1-22160066-G-A.
Other names: c.10875C>T, p.Asn3625= (NM_001291860.2); c.10872C>T (NM_005529.6).
Identifiers: ClinVar variation 2962117 (VCV002962117.5), dbSNP rs201054150, ClinGen allele CA19097998.